The following is an entry in ClinVar:

NM_001184.4(ATR):c.724C>G (p.Pro242Ala)

Gene: ATR (ATR checkpoint kinase; minus strand). Cytogenetic location: 3q23.
Variant type: single nucleotide variant.
Coding change: c.724C>G on transcript NM_001184.4 (MANE Select); coding-DNA position 724, C replaced by G.
Protein change: p.Pro242Ala; replaces proline 242 with alanine.
Molecular consequence: missense variant.
Genome position (GRCh38, 1-based): chr3:142,562,678, G>C on the plus strand (C>G on the coding strand, the complement: ATR is on the minus strand). VCF-style: chr3-142562678-G-C. GRCh37 (hg19) VCF-style: chr3-142281520-G-C.
Other names: c.724C>G, p.Pro242Ala (NM_001354579.2); short protein forms P242A.
Identifiers: ClinVar variation 1757904 (VCV001757904.2), dbSNP rs2034925378, ClinGen allele CA354825829.

ClinVar aggregate classification (germline): Uncertain significance (1 of 4 stars; one submission).

Conditions:
Inborn genetic diseases. Identifiers: MedGen C0950123, MeSH D030342.

Submission:

Ambry Genetics
Classification: Uncertain significance for Inborn genetic diseases. Last evaluated: 2022-03-23. Review status: criteria provided, single submitter. Criteria: Ambry Variant Classification Scheme 2023. Collection method: clinical testing. Allele origin: germline.
Comment: The p.P242A variant (also known as c.724C>G), located in coding exon 4 of the ATR gene, results from a C to G substitution at nucleotide position 724. The proline at codon 242 is replaced by alanine, an amino acid with highly similar properties. This amino acid position is conserved. In addition, this alteration is predicted to be tolerated by in silico analysis. Since supporting evidence is limited at this time, the clinical significance of this alteration remains unclear.